The following is an entry in ClinVar:

NM_000975.5(RPL11):c.68A>G (p.Asn23Ser)

Gene: RPL11 (ribosomal protein L11; plus strand). Cytogenetic location: 1p36.11.
Variant type: single nucleotide variant.
Coding change: c.68A>G on transcript NM_000975.5 (MANE Select); coding-DNA position 68, A replaced by G.
Protein change: p.Asn23Ser; replaces asparagine 23 with serine.
Molecular consequence: missense variant.
Genome position (GRCh38, 1-based): chr1:23,692,670, A>G. VCF-style: chr1-23692670-A-G. GRCh37 (hg19) VCF-style: chr1-24019160-A-G.
Other names: c.65A>G, p.Asn22Ser (NM_001199802.1); short protein forms N22S, N23S.
Identifiers: ClinVar variation 1366485 (VCV001366485.9), dbSNP rs2124429076, ClinGen allele CA338991592.

ClinVar aggregate classification (germline): Uncertain significance. Review status: criteria provided, multiple submitters, no conflicts (2 of 4 stars). 2 submissions from 2 submitters: Uncertain significance (2). Last evaluated 2022-04-11.

Conditions:
Diamond-Blackfan anemia. Also called: Blackfan Diamond syndrome; Aregenerative anemia chronic congenital; Red cell aplasia, pure hereditary; Congenital hypoplastic anemia; Aase syndrome. Identifiers: Orphanet 124, MedGen C1260899, MeSH D029503, MONDO:0015253, HP:0004810.
Diamond-Blackfan anemia 7 (DBA7). Also called: RPL11-Related Diamond-Blackfan Anemia. Identifiers: Orphanet 124, MedGen C2675512, MONDO:0012938, OMIM 612562.

Allele frequency attached by ClinVar (database versions not stated): gnomAD exomes below 0.00001.
gnomAD v4.1: 2 of 1,614,138 alleles (0.00012%); highest among the groups gnomAD compares: Non-Finnish European, 0.00017%; no homozygotes.

Submissions (2):

Fulgent Genetics
Classification: Uncertain significance for Diamond-Blackfan anemia 7. Last evaluated: 2022-04-11. Review status: criteria provided, single submitter. Criteria: ACMG Guidelines, 2015. Collection method: clinical testing. Allele origin: unknown.

Labcorp Genetics (formerly Invitae), Labcorp
Classification: Uncertain significance for Diamond-Blackfan anemia. Last evaluated: 2020-12-21. Review status: criteria provided, single submitter. Criteria: Invitae Variant Classification Sherloc (09022015). Collection method: clinical testing. Allele origin: germline.
Comment: In summary, the available evidence is currently insufficient to determine the role of this variant in disease. Therefore, it has been classified as a Variant of Uncertain Significance. Algorithms developed to predict the effect of sequence changes on RNA splicing suggest that this variant may create or strengthen a splice site, but this prediction has not been confirmed by published transcriptional studies. Algorithms developed to predict the effect of missense changes on protein structure and function are either unavailable or do not agree on the potential impact of this missense change (SIFT: "Deleterious"; PolyPhen-2: "Benign"; Align-GVGD: "Class C0"). This variant has not been reported in the literature in individuals with RPL11-related conditions. This variant is not present in population databases (ExAC no frequency). This sequence change replaces asparagine with serine at codon 23 of the RPL11 protein (p.Asn23Ser). The asparagine residue is highly conserved and there is a small physicochemical difference between asparagine and serine.